The following is an entry in ClinVar:

NM_015330.6(SPECC1L):c.1311G>T (p.Arg437Ser)

Genes: SPECC1L (sperm antigen with calponin homology and coiled-coil domains 1 like; plus strand), SPECC1L-ADORA2A (SPECC1L-ADORA2A readthrough (NMD candidate); plus strand). Cytogenetic location: 22q11.23.
Variant type: single nucleotide variant.
Coding change: c.1311G>T on transcript NM_015330.6 (MANE Select); coding-DNA position 1311, G replaced by T.
Protein change: p.Arg437Ser; replaces arginine 437 with serine.
Molecular consequence: missense variant. On other transcripts: non-coding transcript variant (1).
Genome position (GRCh38, 1-based): chr22:24,322,291, G>T. VCF-style: chr22-24322291-G-T. GRCh37 (hg19) VCF-style: chr22-24718259-G-T.
Other names: c.1311G>T, p.Arg437Ser (NM_001254732.3, NM_001145468.4); short protein forms R437S.
Identifiers: ClinVar variation 1315800 (VCV001315800.2), dbSNP rs2146480082, ClinGen allele CA410968612.

ClinVar aggregate classification (germline): Uncertain significance (1 of 4 stars; one submission).

gnomAD v4.1: 1 of 1,614,244 alleles (0.000062%); highest among the groups gnomAD compares: Non-Finnish European, 0.000085%; no homozygotes.

Submission:

GeneDx
Classification: Uncertain significance. Last evaluated: 2021-05-11. Review status: criteria provided, single submitter. Criteria: GeneDx Variant Classification Process June 2021. Collection method: clinical testing. Allele origin: germline. Affected: yes.
Comment: Not observed in large population cohorts (Lek et al., 2016); In silico analysis, which includes protein predictors and evolutionary conservation, supports a deleterious effect; Has not been previously published as pathogenic or benign to our knowledge